The following is an entry in ClinVar:

ClinVar aggregate classification (germline): Conflicting classifications of pathogenicity. Review status: criteria provided, conflicting classifications (1 of 4 stars). 5 submissions from 5 submitters: Uncertain significance (1); Benign (1); Likely benign (3). Last evaluated 2025-09-15.

Conditions:
Inborn genetic diseases. Identifiers: MedGen C0950123, MeSH D030342.

Allele frequency attached by ClinVar (database versions not stated): gnomAD exomes 0.00016; ExAC 0.00018; ESP Exome Variant Server 0.00048; TOPMed 0.00049; gnomAD 0.00050 and 0.00055.
gnomAD v4.1: 252 of 1,613,714 alleles (0.016%); highest among the groups gnomAD compares: African/African-American, 0.17%; no homozygotes.

Submissions (5):

Labcorp Genetics (formerly Invitae), Labcorp
Classification: Benign. Last evaluated: 2025-09-15. Review status: criteria provided, single submitter. Criteria: Invitae Variant Classification Sherloc (09022015). Collection method: clinical testing. Allele origin: germline.

Ambry Genetics
Classification: Likely benign for Inborn genetic diseases. Last evaluated: 2024-11-15. Review status: criteria provided, single submitter. Criteria: Ambry Variant Classification Scheme 2023. Collection method: clinical testing. Allele origin: germline.

CeGaT Center for Human Genetics Tuebingen
Classification: Likely benign. Last evaluated: 2023-03-01. Review status: criteria provided, single submitter. Criteria: CeGaT Center For Human Genetics Tuebingen Variant Classification Criteria Version 2. Collection method: clinical testing. Allele origin: germline. Affected: yes. Observed: 1 variant allele.
Comment: DSPP: BP4, BP7

GeneDx
Classification: Likely benign. Last evaluated: 2021-05-08. Review status: criteria provided, single submitter. Criteria: GeneDx Variant Classification Process June 2021. Collection method: clinical testing. Allele origin: germline. Affected: yes.

Eurofins Ntd Llc (ga)
Classification: Uncertain significance. Last evaluated: 2017-07-24. Review status: criteria provided, single submitter. Criteria: EGL Classification Definitions 2015. Collection method: clinical testing. Allele origin: germline. Observed: 2 variant alleles, 2 heterozygotes.

NM_014208.3(DSPP):c.768C>T (p.Asp256=)

Genes: DMP1-AS1 (DMP1 and DSPP antisense RNA 1; minus strand), DSPP (dentin sialophosphoprotein; plus strand). Cytogenetic location: 4q22.1.
Variant type: single nucleotide variant.
Coding change: c.768C>T on transcript NM_014208.3 (MANE Select); coding-DNA position 768, C replaced by T.
Protein change: p.Asp256=; no amino-acid change (aspartic acid 256 retained).
Molecular consequence: synonymous variant.
Genome position (GRCh38, 1-based): chr4:87,612,954, C>T. VCF-style: chr4-87612954-C-T. GRCh37 (hg19) VCF-style: chr4-88534106-C-T.
Other names: c.768C>T, p.Asp256= (LRG_1242t1).
Identifiers: ClinVar variation 593121 (VCV000593121.40), dbSNP rs374400491, ClinGen allele CA3000947.